The following is an entry in ClinVar:

ClinVar aggregate classification (germline): Likely benign. Review status: criteria provided, single submitter (1 of 4 stars). 2 submissions from 2 submitters: Likely benign (1). 1 of the submissions does not count toward it. Last evaluated 2025-04-25.

Conditions:
PKD1-related disorder. Also called: PKD1-related condition.

gnomAD v4.1: 140 of 1,571,860 alleles (0.0089%); highest among the groups gnomAD compares: Non-Finnish European, 0.011%; no homozygotes.

Submissions (2):

Women's Health and Genetics/Laboratory Corporation of America, LabCorp
Classification: Likely benign. Last evaluated: 2025-04-25. Review status: criteria provided, single submitter. Criteria: LabCorp Variant Classification Summary - May 2015. Collection method: clinical testing. Allele origin: germline.

PreventionGenetics, part of Exact Sciences
Classification: Likely benign for PKD1-related condition. Last evaluated: 2024-09-28. Review status: no assertion criteria provided. Collection method: clinical testing. Allele origin: germline. Not counted in ClinVar's aggregate classification.
Comment: This variant is classified as likely benign based on ACMG/AMP sequence variant interpretation guidelines (Richards et al. 2015 PMID: 25741868, with internal and published modifications).

NM_001009944.3(PKD1):c.8124G>A (p.Thr2708=)

Gene: PKD1 (polycystin 1, transient receptor potential channel interacting; minus strand). Cytogenetic location: 16p13.3.
Variant type: single nucleotide variant.
Coding change: c.8124G>A on transcript NM_001009944.3 (MANE Select); coding-DNA position 8124, G replaced by A.
Protein change: p.Thr2708=; no amino-acid change (threonine 2708 retained).
Molecular consequence: synonymous variant.
Genome position (GRCh38, 1-based): chr16:2,104,535, C>T on the plus strand (G>A on the coding strand, the complement: PKD1 is on the minus strand). VCF-style: chr16-2104535-C-T. GRCh37 (hg19) VCF-style: chr16-2154536-C-T.
Other names: c.8124G>A, p.Thr2708= (NM_000296.4).
Identifiers: ClinVar variation 3351005 (VCV003351005.3).